The following is an entry in ClinVar:

NM_001039591.3(USP9X):c.1763+10T>C

Gene: USP9X (ubiquitin specific peptidase 9 X-linked; plus strand). Cytogenetic location: Xp11.4.
Variant type: single nucleotide variant.
Coding change: c.1763+10T>C on transcript NM_001039591.3 (MANE Select); 10 bases into the intron after coding-DNA position 1763, T replaced by C.
Molecular consequence: intron variant.
Genome position (GRCh38, 1-based): chrX:41,151,067, T>C. VCF-style: chrX-41151067-T-C. GRCh37 (hg19) VCF-style: chrX-41010320-T-C.
Other names: c.1763+10T>C (NM_001039590.3).
Identifiers: ClinVar variation 1334651 (VCV001334651.4), dbSNP rs2147075143, ClinGen allele CA2573055303.
Genomic context (GRCh38, chrX:41,151,067, plus strand): 5'-ACAAATTAGAGAAATTTGTAGTTTGTTTGGTGAAGCGCCTCAAAATTTGAGGTAAGACTT[T>C]TTAACATAGAAAATTTCAATACTTAAAATTTATGTACTTTATTGAAAAGAAACAGCATAT-3'

ClinVar aggregate classification (germline): Uncertain significance (0 of 4 stars; one submission).

Submission:

Greenwood Genetic Center Diagnostic Laboratories, Greenwood Genetic Center
Classification: Uncertain significance. Last evaluated: 2021-12-13. Review status: no assertion criteria provided. Collection method: clinical testing. Allele origin: germline. Affected: yes.
Comment: Gene of uncertain significance